The following is an entry in ClinVar:

NM_002227.4(JAK1):c.2115+80C>G

Gene: JAK1 (Janus kinase 1; minus strand). Cytogenetic location: 1p31.3.
Variant type: single nucleotide variant.
Coding change: c.2115+80C>G on transcript NM_002227.4 (MANE Select); 80 bases into the intron after coding-DNA position 2115, C replaced by G.
Molecular consequence: intron variant.
Genome position (GRCh38, 1-based): chr1:64,845,433, G>C on the plus strand (C>G on the coding strand, the complement: JAK1 is on the minus strand). VCF-style: chr1-64845433-G-C. GRCh37 (hg19) VCF-style: chr1-65311116-G-C.
Other names: c.2115+80C>G (NM_001321852.2, NM_001321854.2, NM_001321853.2 and 3 more transcripts); c.2112+80C>G (NM_001321857.2).
Identifiers: ClinVar variation 2688395 (VCV002688395.2), dbSNP rs2780821, ClinGen allele CA15122447.

ClinVar aggregate classification (germline): Benign (1 of 4 stars; one submission).

Allele frequency attached by ClinVar (database versions not stated): gnomAD exomes 0.25303; gnomAD 0.35765; 1000 Genomes Project 0.37081; TOPMed 0.37337; 1000 Genomes Project 30x 0.38054.

Submission:

Unidad de Genómica Garrahan, Hospital de Pediatría Garrahan
Classification: Benign. Last evaluated: 2024-01-24. Review status: criteria provided, single submitter. Criteria: ACMG Guidelines, 2015. Collection method: clinical testing. Allele origin: germline. Affected: no. Observed: 52 variant alleles.
Comment: This variant is classified as Benign based on local population frequency. This variant was detected in 59% of patients studied by a panel of primary immunodeficiencies. Number of patients: 52. Only high quality variants are reported.